The following is an entry in ClinVar:

ClinVar aggregate classification (germline): Uncertain significance (1 of 4 stars; one submission).

Conditions:
Familial cancer of breast. Also called: BREAST CANCER, FAMILIAL; hereditary breast carcinoma; Hereditary breast cancer. Identifiers: Orphanet 227535, MedGen C0346153, MONDO:0016419, OMIM 114480. Disease mechanism: loss of function.

Submission:

Labcorp Genetics (formerly Invitae), Labcorp
Classification: Uncertain significance for Familial cancer of breast. Last evaluated: 2021-11-26. Review status: criteria provided, single submitter. Criteria: Invitae Variant Classification Sherloc (09022015). Collection method: clinical testing. Allele origin: germline.
Comment: In summary, the available evidence is currently insufficient to determine the role of this variant in disease. Therefore, it has been classified as a Variant of Uncertain Significance. Experimental studies and prediction algorithms are not available or were not evaluated, and the functional significance of this variant is currently unknown. This variant has not been reported in the literature in individuals affected with BARD1-related conditions. This variant is a gross deletion of the genomic region encompassing exon(s) 5 of the BARD1 gene. This variant would be expected to be in-frame, preserving the integrity of the reading frame.

NC_000002.12:g.(?_214769222)_(214769322_?)del

Gene: BARD1 (BRCA1 associated RING domain 1; minus strand). Cytogenetic location: 2q35.
Variant type: Deletion.
Identifiers: ClinVar variation 639864 (VCV000639864.4).